The following is an entry in ClinVar:

ClinVar aggregate classification (germline): Uncertain significance. Review status: criteria provided, multiple submitters, no conflicts (2 of 4 stars). 2 submissions from 2 submitters: Uncertain significance (2). Last evaluated 2026-03-01.

Conditions:
Inborn genetic diseases. Identifiers: MedGen C0950123, MeSH D030342.

gnomAD v4.1: 59 of 1,610,598 alleles (0.0037%); highest among the groups gnomAD compares: Non-Finnish European, 0.0049%; no homozygotes.

Submissions (2):

CeGaT Center for Human Genetics Tuebingen
Classification: Uncertain significance. Last evaluated: 2026-03-01. Review status: criteria provided, single submitter. Criteria: CeGaT Center For Human Genetics Tuebingen Variant Classification Criteria Version 2. Collection method: clinical testing. Allele origin: germline. Affected: yes. Observed: 1 variant allele.
Comment: ESPN: PM2

Ambry Genetics
Classification: Uncertain significance for Inborn genetic diseases. Last evaluated: 2024-12-05. Review status: criteria provided, single submitter. Criteria: Ambry Variant Classification Scheme 2023. Collection method: clinical testing. Allele origin: germline.

NM_031475.3(ESPN):c.2186C>A (p.Ala729Glu)

Gene: ESPN (espin; plus strand). Cytogenetic location: 1p36.31.
Variant type: single nucleotide variant.
Coding change: c.2186C>A on transcript NM_031475.3 (MANE Select); coding-DNA position 2186, C replaced by A.
Protein change: p.Ala729Glu; replaces alanine 729 with glutamic acid.
Molecular consequence: missense variant.
Genome position (GRCh38, 1-based): chr1:6,451,957, C>A. VCF-style: chr1-6451957-C-A. GRCh37 (hg19) VCF-style: chr1-6512017-C-A.
Other names: c.2096C>A, p.Ala699Glu (NM_001367473.1); c.2123C>A, p.Ala708Glu (NM_001367474.1); short protein forms A699E, A729E, A708E.
Identifiers: ClinVar variation 3510358 (VCV003510358.5).